The following is an entry in ClinVar:

ClinVar aggregate classification (germline): Uncertain significance. Review status: criteria provided, multiple submitters, no conflicts (2 of 4 stars). 2 submissions from 2 submitters: Uncertain significance (2). Last evaluated 2025-06-14.

Conditions:
FAT1-related disorder. Also called: FAT1-related condition.

Submissions (2):

PreventionGenetics, part of Exact Sciences
Classification: Uncertain significance for FAT1-related condition. Last evaluated: 2025-06-14. Review status: criteria provided, single submitter. Criteria: ACMG Guidelines, 2015. Collection method: clinical testing. Allele origin: germline.
Comment: The FAT1 c.5588C>T variant is predicted to result in the amino acid substitution p.Ala1863Val. To our knowledge, this variant has not been reported in the literature. This variant is reported in 0.032% of alleles in individuals of African descent in gnomAD. At this time, the clinical significance of this variant is uncertain due to the absence of conclusive functional and genetic evidence.

Labcorp Genetics (formerly Invitae), Labcorp
Classification: Uncertain significance. Last evaluated: 2024-07-30. Review status: criteria provided, single submitter. Criteria: Invitae Variant Classification Sherloc (09022015). Collection method: clinical testing. Allele origin: germline.
Comment: This sequence change replaces alanine, which is neutral and non-polar, with valine, which is neutral and non-polar, at codon 1863 of the FAT1 protein (p.Ala1863Val). This variant is present in population databases (rs141937206, gnomAD 0.05%). This variant has not been reported in the literature in individuals affected with FAT1-related conditions. Advanced modeling of protein sequence and biophysical properties (such as structural, functional, and spatial information, amino acid conservation, physicochemical variation, residue mobility, and thermodynamic stability) performed at Invitae indicates that this missense variant is not expected to disrupt FAT1 protein function with a negative predictive value of 80%. In summary, the available evidence is currently insufficient to determine the role of this variant in disease. Therefore, it has been classified as a Variant of Uncertain Significance.

NM_005245.4(FAT1):c.5588C>T (p.Ala1863Val)

Gene: FAT1 (FAT atypical cadherin 1; minus strand). Cytogenetic location: 4q35.2.
Variant type: single nucleotide variant.
Coding change: c.5588C>T on transcript NM_005245.4 (MANE Select); coding-DNA position 5588, C replaced by T.
Protein change: p.Ala1863Val; replaces alanine 1863 with valine.
Molecular consequence: missense variant.
Genome position (GRCh38, 1-based): chr4:186,620,998, G>A on the plus strand (C>T on the coding strand, the complement: FAT1 is on the minus strand). VCF-style: chr4-186620998-G-A. GRCh37 (hg19) VCF-style: chr4-187542152-G-A.
Other names: c.5588C>T (NM_005245.3); short protein forms A1863V.
Identifiers: ClinVar variation 3670144 (VCV003670144.3).